The following is an entry in ClinVar:

ClinVar aggregate classification (germline): Uncertain significance (1 of 4 stars; one submission).

Submission:

GeneDx
Classification: Uncertain significance. Last evaluated: 2019-05-07. Review status: criteria provided, single submitter. Criteria: GeneDx Variant Classification Process June 2021. Collection method: clinical testing. Allele origin: germline. Affected: yes.
Comment: Has not been previously published as pathogenic or benign to our knowledge; Not observed in large population cohorts (Lek et al., 2016); In silico analysis, which includes protein predictors and evolutionary conservation, supports that this variant does not alter protein structure/function

NM_004699.4(FAM50A):c.193G>C (p.Val65Leu)

Gene: FAM50A (family with sequence similarity 50 member A; plus strand). Cytogenetic location: Xq28.
Variant type: single nucleotide variant.
Coding change: c.193G>C on transcript NM_004699.4 (MANE Select); coding-DNA position 193, G replaced by C.
Protein change: p.Val65Leu; replaces valine 65 with leucine.
Molecular consequence: missense variant.
Genome position (GRCh38, 1-based): chrX:154,445,714, G>C. VCF-style: chrX-154445714-G-C. GRCh37 (hg19) VCF-style: chrX-153674062-G-C.
Other names: short protein forms V65L.
Identifiers: ClinVar variation 1315647 (VCV001315647.2), dbSNP rs2148231824, ClinGen allele CA415212826.
Genomic context (GRCh38, chrX:154,445,714, plus strand): 5'-ATTGACAAGAAGTTCTCTGCGCACTACGACGCGGTGGAGGCAGAGCTCAAGTCCAGCACC[G>C]TGGGTGAGCAGGGTGCGGGTGCCCCTCACCCGGGCCCCGGGCCACTCTTCCGCTGGCCCT-3'
Protein context (NP_004690.1, residues 55-75): AVEAELKSST[Val65Leu]GLVTLNDMKA